The following is an entry in ClinVar:

NM_000063.6(C2):c.47-9C>G

Gene: C2 (complement C2; plus strand). Cytogenetic location: 6p21.33.
Variant type: single nucleotide variant.
Coding change: c.47-9C>G on transcript NM_000063.6 (MANE Select); 9 bases into the intron before coding-DNA position 47, C replaced by G.
Molecular consequence: intron variant. On other transcripts: genic upstream transcript variant (2).
Genome position (GRCh38, 1-based): chr6:31,927,946, C>G. VCF-style: chr6-31927946-C-G. GRCh37 (hg19) VCF-style: chr6-31895723-C-G.
Other names: c.-63-5664C>G (NM_001282457.2); c.74-5664C>G (NM_001178063.3); c.-69-9C>G (NM_001282458.2); c.46+148C>G (NM_001145903.3); c.47-9C>G (NM_001282459.2).
Identifiers: ClinVar variation 2189386 (VCV002189386.4), dbSNP rs762200436, ClinGen allele CA566692585.

ClinVar aggregate classification (germline): Uncertain significance (1 of 4 stars; one submission).

gnomAD v4.1: 7 of 1,611,954 alleles (0.00043%); highest among the groups gnomAD compares: Non-Finnish European, 0.00059%; no homozygotes.

Submission:

Labcorp Genetics (formerly Invitae), Labcorp
Classification: Uncertain significance. Last evaluated: 2024-11-21. Review status: criteria provided, single submitter. Criteria: Invitae Variant Classification Sherloc (09022015). Collection method: clinical testing. Allele origin: germline.
Comment: This sequence change falls in intron 1 of the C2 gene. It does not directly change the encoded amino acid sequence of the C2 protein. This variant is present in population databases (no rsID available, gnomAD 0.0009%). This variant has not been reported in the literature in individuals affected with C2-related conditions. ClinVar contains an entry for this variant (Variation ID: 2189386). Algorithms developed to predict the effect of sequence changes on RNA splicing suggest that this variant may disrupt the consensus splice site. In summary, the available evidence is currently insufficient to determine the role of this variant in disease. Therefore, it has been classified as a Variant of Uncertain Significance.